The following is an entry in ClinVar:

ClinVar aggregate classification (germline): Uncertain significance (1 of 4 stars; one submission).

Submission:

GeneDx
Classification: Uncertain significance. Last evaluated: 2017-07-27. Review status: criteria provided, single submitter. Criteria: GeneDx Variant Classification (06012015). Collection method: clinical testing. Allele origin: germline. Affected: yes.
Comment: The L5957M variant has not been published as a pathogenic variant, nor has it been reported as a benign variant to our knowledge. The L5957M variant is not observed in large population cohorts (Lek et al., 2016; 1000 Genomes Consortium et al., 2015; Exome Variant Server). This variant is a conservative amino acid substitution, which is not likely to impact secondary protein structure as these residues share similar properties. However, this substitution occurs at a position that is conserved across species, and in silico analysis is inconsistent in its predictions as to whether or not the variant is damaging to the protein structure/function.

NM_182961.4(SYNE1):c.18082C>A (p.Leu6028Met)

Gene: SYNE1 (spectrin repeat containing nuclear envelope protein 1; minus strand). Cytogenetic location: 6q25.2.
Variant type: single nucleotide variant.
Coding change: c.18082C>A on transcript NM_182961.4 (MANE Select); coding-DNA position 18082, C replaced by A.
Protein change: p.Leu6028Met; replaces leucine 6028 with methionine.
Molecular consequence: missense variant.
Genome position (GRCh38, 1-based): chr6:152,284,103, G>T on the plus strand (C>A on the coding strand, the complement: SYNE1 is on the minus strand). VCF-style: chr6-152284103-G-T. GRCh37 (hg19) VCF-style: chr6-152605238-G-T.
Other names: c.17869C>A, p.Leu5957Met (NM_033071.5); short protein forms L5957M, L6028M.
Identifiers: ClinVar variation 450867 (VCV000450867.2), dbSNP rs1554341677, ClinGen allele CA366097482.